The following is an entry in ClinVar:

NM_001200.4(BMP2):c.751C>G (p.His251Asp)

Gene: BMP2 (bone morphogenetic protein 2; plus strand). Cytogenetic location: 20p12.3.
Variant type: single nucleotide variant.
Coding change: c.751C>G on transcript NM_001200.4 (MANE Select); coding-DNA position 751, C replaced by G.
Protein change: p.His251Asp; replaces histidine 251 with aspartic acid.
Molecular consequence: missense variant.
Genome position (GRCh38, 1-based): chr20:6,778,649, C>G. VCF-style: chr20-6778649-C-G. GRCh37 (hg19) VCF-style: chr20-6759296-C-G.
Other names: short protein forms H251D.
Identifiers: ClinVar variation 4984082 (VCV004984082.1).

ClinVar aggregate classification (germline): Uncertain significance (1 of 4 stars; one submission).

Conditions:
BMP2-related disorder. Also called: BMP2-related condition.

gnomAD v4.1: 3 of 1,614,066 alleles (0.00019%); highest among the groups gnomAD compares: East Asian, 0.0045%; no homozygotes.

Submission:

PreventionGenetics, part of Exact Sciences
Classification: Uncertain significance for BMP2-related condition. Last evaluated: 2025-08-05. Review status: criteria provided, single submitter. Criteria: ACMG Guidelines, 2015. Collection method: clinical testing. Allele origin: germline.
Comment: The BMP2 c.751C>G variant is predicted to result in the amino acid substitution p.His251Asp. To our knowledge, this variant has not been reported in the literature. This variant is reported in 0.011% of alleles in individuals of East Asian descent in gnomAD. At this time, the clinical significance of this variant is uncertain due to the absence of conclusive functional and genetic evidence.